The following is an entry in ClinVar:

NM_004959.5(NR5A1):c.952G>A (p.Gly318Ser)

Gene: NR5A1 (nuclear receptor subfamily 5 group A member 1; minus strand). Cytogenetic location: 9q33.3.
Variant type: single nucleotide variant.
Coding change: c.952G>A on transcript NM_004959.5 (MANE Select); coding-DNA position 952, G replaced by A.
Protein change: p.Gly318Ser; replaces glycine 318 with serine.
Molecular consequence: missense variant.
Genome position (GRCh38, 1-based): chr9:124,493,068, C>T on the plus strand (G>A on the coding strand, the complement: NR5A1 is on the minus strand). VCF-style: chr9-124493068-C-T. GRCh37 (hg19) VCF-style: chr9-127255347-C-T.
Other names: short protein forms G318S.
Identifiers: ClinVar variation 3365862 (VCV003365862.1).

ClinVar aggregate classification (germline): Uncertain significance (1 of 4 stars; one submission).

gnomAD v4.1: 8 of 1,610,056 alleles (0.0005%); highest among the groups gnomAD compares: Middle Eastern, 0.017%; no homozygotes.

Submission:

GeneDx
Classification: Uncertain significance. Last evaluated: 2024-01-10. Review status: criteria provided, single submitter. Criteria: GeneDx Variant Classification Process June 2021. Collection method: clinical testing. Allele origin: germline. Affected: yes.
Comment: In silico analysis supports that this missense variant has a deleterious effect on protein structure/function; Has not been previously published as pathogenic or benign to our knowledge